The following is an entry in ClinVar:

NM_001048174.2(MUTYH):c.592A>G (p.Ile198Val)

Gene: MUTYH (mutY DNA glycosylase; minus strand). Cytogenetic location: 1p34.1.
Variant type: single nucleotide variant.
Coding change: c.592A>G on transcript NM_001048174.2 (MANE Select); coding-DNA position 592, A replaced by G.
Protein change: p.Ile198Val; replaces isoleucine 198 with valine.
Molecular consequence: missense variant. On other transcripts: non-coding transcript variant (2).
Genome position (GRCh38, 1-based): chr1:45,332,588, T>C on the plus strand (A>G on the coding strand, the complement: MUTYH is on the minus strand). VCF-style: chr1-45332588-T-C. GRCh37 (hg19) VCF-style: chr1-45798260-T-C.
Other names: c.592A>G, p.Ile198Val (NM_001048171.2, NM_001048173.2, NM_001293195.2); c.595A>G, p.Ile199Val (NM_001048172.2); c.676A>G, p.Ile226Val (NM_001128425.2); c.637A>G, p.Ile213Val (NM_001293190.2); c.625A>G, p.Ile209Val (NM_001293191.2); c.316A>G, p.Ile106Val (NM_001293192.2, NM_001293196.2); c.247A>G, p.Ile83Val (NM_001350650.2, NM_001350651.2); c.667A>G, p.Ile223Val (NM_012222.3); short protein forms I226V, I212V, I106V, I199V, I209V, I223V, I198V, I213V.
Identifiers: ClinVar variation 185072 (VCV000185072.27), dbSNP rs200965879, ClinGen allele CA014084.

ClinVar aggregate classification (germline): Uncertain significance. Review status: criteria provided, multiple submitters, no conflicts (2 of 4 stars). 8 submissions from 8 submitters: Uncertain significance (7). 1 of the submissions does not count toward it. Last evaluated 2025-06-11.

Conditions:
Hereditary cancer-predisposing syndrome. Also called: Tumor predisposition; Neoplastic Syndromes, Hereditary; Hereditary neoplastic syndrome; Hereditary Cancer Syndrome. Identifiers: Orphanet 140162, MedGen C0027672, MeSH D009386, MONDO:0015356.
Familial adenomatous polyposis 2. Also called: COLORECTAL ADENOMATOUS POLYPOSIS, AUTOSOMAL RECESSIVE; ADENOMAS, MULTIPLE COLORECTAL, AUTOSOMAL RECESSIVE; FAP type 2; MYH-associated polyposis; MUTYH-related attenuated familial adenomatous polyposis; Adenomas, multiple colorectal. Identifiers: Orphanet 220460, Orphanet 247798, MedGen C3272841, MONDO:0012041, OMIM 608456.

Allele frequency attached by ClinVar (database versions not stated): gnomAD exomes below 0.00001 and 0.00001; ExAC 0.00001; gnomAD 0.00001; 1000 Genomes Project 0.00020; 1000 Genomes Project 30x 0.00031.
gnomAD v4.1: 11 of 1,614,106 alleles (0.00068%); highest among the groups gnomAD compares: East Asian, 0.0045%; no homozygotes.

Submissions (8):

Color Diagnostics, LLC DBA Color Health
Classification: Uncertain significance for Hereditary cancer-predisposing syndrome. Last evaluated: 2025-06-11. Review status: criteria provided, single submitter. Criteria: ACMG Guidelines, 2015. Collection method: clinical testing. Allele origin: germline.
Comment: This missense variant replaces isoleucine with valine at codon 226 of the MUTYH protein. Computational prediction suggests that this variant may have deleterious impact on protein structure and function. To our knowledge, functional studies have not been reported for this variant. This variant has been reported in individuals affected with breast cancer (PMID: 23383274, 33471991). This variant has been identified in 2/282736 chromosomes in the general population by the Genome Aggregation Database (gnomAD). The available evidence is insufficient to determine the role of this variant in disease conclusively. Therefore, this variant is classified as a Variant of Uncertain Significance.

Ambry Genetics
Classification: Uncertain significance for Hereditary cancer-predisposing syndrome. Last evaluated: 2024-12-30. Review status: criteria provided, single submitter. Criteria: Ambry Variant Classification Scheme 2023. Collection method: clinical testing. Allele origin: germline.
Comment: The p.I226V variant (also known as c.676A>G), located in coding exon 8 of the MUTYH gene, results from an A to G substitution at nucleotide position 676. The isoleucine at codon 226 is replaced by valine, an amino acid with highly similar properties. This amino acid position is highly conserved in available vertebrate species. In addition, the in silico prediction for this alteration is inconclusive. Based on the available evidence, the clinical significance of this variant remains unclear.

Labcorp Genetics (formerly Invitae), Labcorp
Classification: Uncertain significance for Familial adenomatous polyposis 2. Last evaluated: 2024-12-12. Review status: criteria provided, single submitter. Criteria: Invitae Variant Classification Sherloc (09022015). Collection method: clinical testing. Allele origin: germline.
Comment: This sequence change replaces isoleucine, which is neutral and non-polar, with valine, which is neutral and non-polar, at codon 226 of the MUTYH protein (p.Ile226Val). This variant is present in population databases (rs200965879, gnomAD 0.005%). This variant has not been reported in the literature in individuals affected with MUTYH-related conditions. ClinVar contains an entry for this variant (Variation ID: 185072). An algorithm developed to predict the effect of missense changes on protein structure and function (PolyPhen-2) suggests that this variant is likely to be disruptive. In summary, the available evidence is currently insufficient to determine the role of this variant in disease. Therefore, it has been classified as a Variant of Uncertain Significance.

All of Us Research Program, National Institutes of Health
Classification: Uncertain significance for Familial adenomatous polyposis 2. Last evaluated: 2024-05-14. Review status: criteria provided, single submitter. Criteria: ACMG Guidelines, 2015. Collection method: clinical testing. Allele origin: germline. Inheritance: Autosomal recessive inheritance. Observed: 2 variant alleles, 2 heterozygotes.
Comment: This missense variant replaces isoleucine with valine at codon 226 of the MUTYH protein. Computational prediction suggests that this variant may have deleterious impact on protein structure and function (internally defined REVEL score threshold >= 0.7, PMID: 27666373). To our knowledge, functional studies have not been reported for this variant. This variant has been reported in individuals affected with breast cancer (PMID: 23383274, 33471991). This variant has been identified in 2/282736 chromosomes in the general population by the Genome Aggregation Database (gnomAD). The available evidence is insufficient to determine the role of this variant in disease conclusively. Therefore, this variant is classified as a Variant of Uncertain Significance.

This study involves interpretation of variants in research participants for the purpose of population health screening. Participant phenotype was not available at the time of variant classification. Additional details can be found in publication PMID: 35346344, PMCID: PMC8962531

Blueprint Genetics
Classification: Uncertain significance. Last evaluated: 2022-11-28. Review status: criteria provided, single submitter. Criteria: ACMG Guidelines, 2015. Collection method: clinical testing. Allele origin: germline.

Sema4
Classification: Uncertain significance for Hereditary cancer-predisposing syndrome. Last evaluated: 2021-04-29. Review status: criteria provided, single submitter. Criteria: Sema4 Curation Guidelines. Collection method: curation. Allele origin: germline.
Comment: The MUTYH c.676A>G (p.I226V) variant has been reported in heterozygosity in at least two individuals with breast cancer (PMID: 33471991). It was observed in 1/19952 chromosomes in the East Asian subpopulation in the large and broad cohorts of the Genome Aggregation Database (PMID: 32461654). The variant has been reported in ClinVar (Variation ID: 185072). In silico tools suggest the impact of the variant on protein function is deleterious, though these predictions have not been confirmed by functional studies. The evidence is insufficient to meet ACMG/AMP criteria for classifying the variant as benign or pathogenic. Thus, the clinical significance of this variant is currently uncertain.

GeneDx
Classification: Uncertain significance. Last evaluated: 2019-09-17. Review status: criteria provided, single submitter. Criteria: GeneDx Variant Classification Process June 2021. Collection method: clinical testing. Allele origin: germline. Affected: yes.
Comment: In silico analysis, which includes protein predictors and evolutionary conservation, supports that this variant does not alter protein structure/function; Has not been previously published as pathogenic or benign to our knowledge

Counsyl
Classification: Uncertain significance for Familial adenomatous polyposis 2. Last evaluated: 2017-10-17. Review status: no assertion criteria provided. Collection method: clinical testing. Allele origin: unknown. Not counted in ClinVar's aggregate classification.

Literature cited by the submitters: PubMed 23383274 (cited by Color Diagnostics, LLC DBA Color Health and All of Us Research Program, National Institutes of Health); PubMed 33471991 (cited by 3 submitters).